The following is an entry in ClinVar:

NM_001354930.2(RIPK1):c.1724T>G (p.Ile575Ser)

Gene: RIPK1 (receptor interacting serine/threonine kinase 1; plus strand). Cytogenetic location: 6p25.2.
Variant type: single nucleotide variant.
Coding change: c.1724T>G on transcript NM_001354930.2 (MANE Select); coding-DNA position 1724, T replaced by G.
Protein change: p.Ile575Ser; replaces isoleucine 575 with serine.
Molecular consequence: missense variant.
Genome position (GRCh38, 1-based): chr6:3,110,950, T>G. VCF-style: chr6-3110950-T-G. GRCh37 (hg19) VCF-style: chr6-3111184-T-G.
Other names: c.1235T>G, p.Ile412Ser (NM_001317061.3, NM_001354932.2, NM_001354933.2 and 1 more transcripts); c.1586T>G, p.Ile529Ser (NM_001354931.2); c.1724T>G, p.Ile575Ser (NM_003804.6); short protein forms I412S, I529S, I575S.
Identifiers: ClinVar variation 3664303 (VCV003664303.2).

ClinVar aggregate classification (germline): Uncertain significance (1 of 4 stars; one submission).

gnomAD v4.1: 2 of 1,610,088 alleles (0.00012%); highest among the groups gnomAD compares: Admixed American, 0.0034%; no homozygotes.

Submission:

Labcorp Genetics (formerly Invitae), Labcorp
Classification: Uncertain significance. Last evaluated: 2024-12-07. Review status: criteria provided, single submitter. Criteria: Invitae Variant Classification Sherloc (09022015). Collection method: clinical testing. Allele origin: germline.
Comment: This sequence change replaces isoleucine, which is neutral and non-polar, with serine, which is neutral and polar, at codon 575 of the RIPK1 protein (p.Ile575Ser). This variant is present in population databases (rs760790406, gnomAD 0.003%). This variant has not been reported in the literature in individuals affected with RIPK1-related conditions. An algorithm developed to predict the effect of missense changes on protein structure and function (PolyPhen-2) suggests that this variant is likely to be disruptive. In summary, the available evidence is currently insufficient to determine the role of this variant in disease. Therefore, it has been classified as a Variant of Uncertain Significance.